The following is an entry in ClinVar:

ClinVar aggregate classification (germline): Uncertain significance (1 of 4 stars; one submission).

Submission:

Labcorp Genetics (formerly Invitae), Labcorp
Classification: Uncertain significance. Last evaluated: 2022-01-07. Review status: criteria provided, single submitter. Criteria: Invitae Variant Classification Sherloc (09022015). Collection method: clinical testing. Allele origin: germline.
Comment: In summary, the available evidence is currently insufficient to determine the role of this variant in disease. Therefore, it has been classified as a Variant of Uncertain Significance. Algorithms developed to predict the effect of missense changes on protein structure and function (SIFT, PolyPhen-2, Align-GVGD) all suggest that this variant is likely to be tolerated. This variant has not been reported in the literature in individuals affected with AP3D1-related conditions. This variant is not present in population databases (gnomAD no frequency). This sequence change replaces valine, which is neutral and non-polar, with isoleucine, which is neutral and non-polar, at codon 1009 of the AP3D1 protein (p.Val1009Ile).

NM_001261826.3(AP3D1):c.3025G>A (p.Val1009Ile)

Gene: AP3D1 (adaptor related protein complex 3 subunit delta 1; minus strand). Cytogenetic location: 19p13.3.
Variant type: single nucleotide variant.
Coding change: c.3025G>A on transcript NM_001261826.3 (MANE Select); coding-DNA position 3025, G replaced by A.
Protein change: p.Val1009Ile; replaces valine 1009 with isoleucine.
Molecular consequence: missense variant.
Genome position (GRCh38, 1-based): chr19:2,110,857, C>T on the plus strand (G>A on the coding strand, the complement: AP3D1 is on the minus strand). VCF-style: chr19-2110857-C-T. GRCh37 (hg19) VCF-style: chr19-2110856-C-T.
Other names: c.2989G>A, p.Val997Ile (NM_001374799.1); c.2839G>A, p.Val947Ile (NM_003938.8); short protein forms V1009I, V947I, V997I.
Identifiers: ClinVar variation 1508831 (VCV001508831.8), dbSNP rs766517518, ClinGen allele CA403203100.